The following is an entry in ClinVar:

NM_001258392.3(CLPB):c.989C>T (p.Ala330Val)

Gene: CLPB (ClpB family mitochondrial disaggregase; minus strand). Cytogenetic location: 11q13.4.
Variant type: single nucleotide variant.
Coding change: c.989C>T on transcript NM_001258392.3 (MANE Select); coding-DNA position 989, C replaced by T.
Protein change: p.Ala330Val; replaces alanine 330 with valine.
Molecular consequence: missense variant.
Genome position (GRCh38, 1-based): chr11:72,308,604, G>A on the plus strand (C>T on the coding strand, the complement: CLPB is on the minus strand). VCF-style: chr11-72308604-G-A. GRCh37 (hg19) VCF-style: chr11-72019648-G-A.
Other names: c.902C>T, p.Ala301Val (NM_001258393.3); c.944C>T, p.Ala315Val (NM_001258394.3); c.1079C>T, p.Ala360Val (NM_030813.6); short protein forms A330V, A301V, A315V, A360V.
Identifiers: ClinVar variation 642926 (VCV000642926.12), dbSNP rs144942416, ClinGen allele CA6171300.
Genomic context (GRCh38, chr11:72,308,604, plus strand): 5'-AAGAAGAGGAAGACCAGAGGGTGTTCTTCATCGTACCAGCCATTCTCCTTCCTCCGGATC[G>A]CTACGGCCAAACACACAAGATCAGGGGACAGGGAGGGAGGCAGATAAATCAATGACACAA-3'
Protein context (NP_001245321.1, residues 320-340): QESAIATVGA[Ala330Val]IRRKENGWYD

ClinVar aggregate classification (germline): Uncertain significance. Review status: criteria provided, multiple submitters, no conflicts (2 of 4 stars). 3 submissions from 3 submitters: Uncertain significance (2). 1 of the submissions does not count toward it. Last evaluated 2026-02-03.

Conditions:
CLPB-related disorder. Also called: CLPB-related condition.
3-methylglutaconic aciduria, type VIIB (MGCA7B). Also called: 3-methylglutaconic aciduria with cataracts, neurologic involvement and neutropenia; CLPB Deficiency; 3-methylglutaconic aciduria, type VII, with cataracts, neurologic involvement and neutropenia. Identifiers: Orphanet 445038, MedGen C5676893, MONDO:0014561, OMIM 616271.

Allele frequency attached by ClinVar (database versions not stated): 1000 Genomes Project 0.00040; TOPMed 0.00064; ExAC 0.00019; ESP Exome Variant Server 0.00031; 1000 Genomes Project 30x 0.00031; gnomAD 0.00045; gnomAD exomes 0.00016.
gnomAD v4.1: 192 of 1,613,866 alleles (0.012%); highest among the groups gnomAD compares: African/African-American, 0.16%; no homozygotes.

Submissions (3):

GeneDx
Classification: Uncertain significance. Last evaluated: 2026-02-03. Review status: criteria provided, single submitter. Criteria: GeneDx Variant Classification Process June 2021. Collection method: clinical testing. Allele origin: germline.
Comment: Has not been previously published as pathogenic or benign to our knowledge; In silico analysis supports that this missense variant has a deleterious effect on protein structure/function

Labcorp Genetics (formerly Invitae), Labcorp
Classification: Uncertain significance for 3-methylglutaconic aciduria, type VIIB. Last evaluated: 2026-01-27. Review status: criteria provided, single submitter. Criteria: Invitae Variant Classification Sherloc (09022015). Collection method: clinical testing. Allele origin: germline.
Comment: This sequence change replaces alanine, which is neutral and non-polar, with valine, which is neutral and non-polar, at codon 360 of the CLPB protein (p.Ala360Val). This variant is present in population databases (rs144942416, gnomAD 0.2%). This variant has not been reported in the literature in individuals affected with CLPB-related conditions. ClinVar contains an entry for this variant (Variation ID: 642926). An algorithm developed to predict the effect of missense changes on protein structure and function (PolyPhen-2) suggests that this variant is likely to be disruptive. In summary, the available evidence is currently insufficient to determine the role of this variant in disease. Therefore, it has been classified as a Variant of Uncertain Significance.

PreventionGenetics, part of Exact Sciences
Classification: Likely benign for CLPB-related condition. Last evaluated: 2022-07-13. Review status: no assertion criteria provided. Collection method: clinical testing. Allele origin: germline. Not counted in ClinVar's aggregate classification.
Comment: This variant is classified as likely benign based on ACMG/AMP sequence variant interpretation guidelines (Richards et al. 2015 PMID: 25741868, with internal and published modifications).